The following is an entry in ClinVar:

ClinVar aggregate classification (germline): Uncertain significance. Review status: criteria provided, multiple submitters, no conflicts (2 of 4 stars). 2 submissions from 2 submitters: Uncertain significance (2). Last evaluated 2025-06-03.

Conditions:
Inborn genetic diseases. Identifiers: MedGen C0950123, MeSH D030342.

Allele frequency attached by ClinVar (database versions not stated): 1000 Genomes Project 30x 0.00016; gnomAD exomes below 0.00001; gnomAD 0.00001; 1000 Genomes Project 0.00020; TOPMed below 0.00001.

Submissions (2):

Ambry Genetics
Classification: Uncertain significance for Inborn genetic diseases. Last evaluated: 2025-06-03. Review status: criteria provided, single submitter. Criteria: Ambry Variant Classification Scheme 2023. Collection method: clinical testing. Allele origin: germline.

Labcorp Genetics (formerly Invitae), Labcorp
Classification: Uncertain significance. Last evaluated: 2024-02-24. Review status: criteria provided, single submitter. Criteria: Invitae Variant Classification Sherloc (09022015). Collection method: clinical testing. Allele origin: germline.
Comment: This sequence change replaces valine, which is neutral and non-polar, with isoleucine, which is neutral and non-polar, at codon 657 of the C7 protein (p.Val657Ile). This variant is present in population databases (rs190506398, gnomAD 0.01%). This variant has not been reported in the literature in individuals affected with C7-related conditions. ClinVar contains an entry for this variant (Variation ID: 2182844). Advanced modeling of protein sequence and biophysical properties (such as structural, functional, and spatial information, amino acid conservation, physicochemical variation, residue mobility, and thermodynamic stability) performed at Invitae indicates that this missense variant is not expected to disrupt C7 protein function with a negative predictive value of 80%. In summary, the available evidence is currently insufficient to determine the role of this variant in disease. Therefore, it has been classified as a Variant of Uncertain Significance.

NM_000587.4(C7):c.1969G>A (p.Val657Ile)

Gene: C7 (complement C7; plus strand). Cytogenetic location: 5p13.1.
Variant type: single nucleotide variant.
Coding change: c.1969G>A on transcript NM_000587.4 (MANE Select); coding-DNA position 1969, G replaced by A.
Protein change: p.Val657Ile; replaces valine 657 with isoleucine.
Molecular consequence: missense variant.
Genome position (GRCh38, 1-based): chr5:40,972,489, G>A. VCF-style: chr5-40972489-G-A. GRCh37 (hg19) VCF-style: chr5-40972591-G-A.
Other names: short protein forms V657I.
Identifiers: ClinVar variation 2182844 (VCV002182844.3), dbSNP rs190506398, ClinGen allele CA3250161.
Genomic context (GRCh38, chr5:40,972,489, plus strand): 5'-ATGGATGGCATACAGAGTCACCCCCAAAAACCTTTCTACACAGTTGGTGAGAAGGTGACT[G>A]TTTCCTGTTCAGGTGGCATGTCCTTAGAAGGTCCTTCAGCATTTCTCTGTGGCTCCAGCC-3'
Protein context (NP_000578.2, residues 647-667): PFYTVGEKVT[Val657Ile]SCSGGMSLEG